The following is an entry in ClinVar:

ClinVar aggregate classification (germline): Uncertain significance (1 of 4 stars; one submission).

Conditions:
Immunodeficiency, common variable, 10. Also called: DEFICIT IN ANTERIOR PITUITARY FUNCTION AND VARIABLE IMMUNODEFICIENCY; IMMUNODEFICIENCY, COMMON VARIABLE, WITH CENTRAL ADRENAL INSUFFICIENCY. Identifiers: MedGen C3809991, MONDO:0014260, OMIM 615577.

Submission:

Labcorp Genetics (formerly Invitae), Labcorp
Classification: Uncertain significance for Immunodeficiency, common variable, 10. Last evaluated: 2022-11-26. Review status: criteria provided, single submitter. Criteria: Invitae Variant Classification Sherloc (09022015). Collection method: clinical testing. Allele origin: germline.
Comment: In summary, the available evidence is currently insufficient to determine the role of this variant in disease. Therefore, it has been classified as a Variant of Uncertain Significance. Algorithms developed to predict the effect of missense changes on protein structure and function (SIFT, PolyPhen-2, Align-GVGD) all suggest that this variant is likely to be tolerated. This variant has not been reported in the literature in individuals affected with NFKB2-related conditions. This variant is not present in population databases (gnomAD no frequency). This sequence change replaces lysine, which is basic and polar, with asparagine, which is neutral and polar, at codon 296 of the NFKB2 protein (p.Lys296Asn).

NM_001322934.2(NFKB2):c.888G>C (p.Lys296Asn)

Gene: NFKB2 (nuclear factor kappa B subunit 2; plus strand). Cytogenetic location: 10q24.32.
Variant type: single nucleotide variant.
Coding change: c.888G>C on transcript NM_001322934.2 (MANE Select); coding-DNA position 888, G replaced by C.
Protein change: p.Lys296Asn; replaces lysine 296 with asparagine.
Molecular consequence: missense variant.
Genome position (GRCh38, 1-based): chr10:102,398,420, G>C. VCF-style: chr10-102398420-G-C. GRCh37 (hg19) VCF-style: chr10-104158177-G-C.
Other names: c.888G>C, p.Lys296Asn (NM_001077493.1, NM_001077494.3, NM_001261403.3 and 3 more transcripts); short protein forms K296N.
Identifiers: ClinVar variation 2815539 (VCV002815539.3), dbSNP rs2544584514, ClinGen allele CA377897760.
Genomic context (GRCh38, chr10:102,398,420, plus strand): 5'-CCCTGTGTCTCCCTGCACCCCCCAGTATGCCATTGTGTTCCGGACACCCCCCTATCACAA[G>C]ATGAAGATTGAGCGGCCTGTAACAGTGTTTCTGCAACTGAAACGCAAGCGAGGAGGGGAC-3'
Protein context (NP_001309863.1, residues 286-306): AIVFRTPPYH[Lys296Asn]MKIERPVTVF